The following is an entry in ClinVar:

ClinVar aggregate classification (germline): Uncertain significance. Review status: criteria provided, multiple submitters, no conflicts (2 of 4 stars). 3 submissions from 3 submitters: Uncertain significance (3). Last evaluated 2025-11-12.

Conditions:
Hyperkalemic periodic paralysis. Also called: Familial hyperkalemic periodic paralysis; Gamstorp disease. Identifiers: Orphanet 682, MedGen C0238357, MONDO:0008224, OMIM 170500, HP:0007215.

Allele frequency attached by ClinVar (database versions not stated): gnomAD 0.00001; gnomAD exomes 0.00003; ExAC 0.00004.

Submissions (3):

Labcorp Genetics (formerly Invitae), Labcorp
Classification: Uncertain significance for Hyperkalemic periodic paralysis. Last evaluated: 2025-11-12. Review status: criteria provided, single submitter. Criteria: Invitae Variant Classification Sherloc (09022015). Collection method: clinical testing. Allele origin: germline.
Comment: This sequence change replaces alanine, which is neutral and non-polar, with threonine, which is neutral and polar, at codon 533 of the SCN4A protein (p.Ala533Thr). The frequency data for this variant in the population databases is considered unreliable, as metrics indicate poor data quality at this position in the gnomAD database. This variant has not been reported in the literature in individuals affected with SCN4A-related conditions. ClinVar contains an entry for this variant (Variation ID: 1384405). Invitae Evidence Modeling of protein sequence and biophysical properties (such as structural, functional, and spatial information, amino acid conservation, physicochemical variation, residue mobility, and thermodynamic stability) indicates that this missense variant is not expected to disrupt SCN4A protein function with a negative predictive value of 95%. In summary, the available evidence is currently insufficient to determine the role of this variant in disease. Therefore, it has been classified as a Variant of Uncertain Significance.

GeneDx
Classification: Uncertain significance. Last evaluated: 2024-10-22. Review status: criteria provided, single submitter. Criteria: GeneDx Variant Classification Process June 2021. Collection method: clinical testing. Allele origin: germline. Affected: yes.
Comment: Has not been previously published as pathogenic or benign to our knowledge; In silico analysis indicates that this missense variant does not alter protein structure/function

Revvity Omics, Revvity
Classification: Uncertain significance. Last evaluated: 2019-05-30. Review status: criteria provided, single submitter. Criteria: ACMG Guidelines, 2015. Collection method: clinical testing. Allele origin: germline.

NM_000334.4(SCN4A):c.1597G>A (p.Ala533Thr)

Gene: SCN4A (sodium voltage-gated channel alpha subunit 4; minus strand). Cytogenetic location: 17q23.3.
Variant type: single nucleotide variant.
Coding change: c.1597G>A on transcript NM_000334.4 (MANE Select); coding-DNA position 1597, G replaced by A.
Protein change: p.Ala533Thr; replaces alanine 533 with threonine.
Molecular consequence: missense variant.
Genome position (GRCh38, 1-based): chr17:63,963,681, C>T on the plus strand (G>A on the coding strand, the complement: SCN4A is on the minus strand). VCF-style: chr17-63963681-C-T. GRCh37 (hg19) VCF-style: chr17-62041041-C-T.
Other names: short protein forms A533T.
Identifiers: ClinVar variation 1384405 (VCV001384405.12), dbSNP rs776005101, ClinGen allele CA8709797.